The following is an entry in ClinVar:

ClinVar aggregate classification (germline): Uncertain significance (1 of 4 stars; one submission).

Conditions:
Adams-Oliver syndrome 5 (AOS5). Identifiers: Orphanet 974, MedGen C4014970, MONDO:0014459, OMIM 616028.

gnomAD v4.1: 3 of 1,599,332 alleles (0.00019%); highest among the groups gnomAD compares: Admixed American, 0.0017%; no homozygotes.

Submission:

Labcorp Genetics (formerly Invitae), Labcorp
Classification: Uncertain significance for Adams-Oliver syndrome 5. Last evaluated: 2025-07-27. Review status: criteria provided, single submitter. Criteria: Invitae Variant Classification Sherloc (09022015). Collection method: clinical testing. Allele origin: germline.
Comment: This sequence change replaces valine, which is neutral and non-polar, with leucine, which is neutral and non-polar, at codon 2443 of the NOTCH1 protein (p.Val2443Leu). This variant is not present in population databases (gnomAD no frequency). This variant has not been reported in the literature in individuals affected with NOTCH1-related conditions. ClinVar contains an entry for this variant (Variation ID: 1060820). Invitae Evidence Modeling of protein sequence and biophysical properties (such as structural, functional, and spatial information, amino acid conservation, physicochemical variation, residue mobility, and thermodynamic stability) indicates that this missense variant is not expected to disrupt NOTCH1 protein function with a negative predictive value of 95%. In summary, the available evidence is currently insufficient to determine the role of this variant in disease. Therefore, it has been classified as a Variant of Uncertain Significance.

NM_017617.5(NOTCH1):c.7327G>T (p.Val2443Leu)

Gene: NOTCH1 (notch receptor 1; minus strand). Cytogenetic location: 9q34.3.
Variant type: single nucleotide variant.
Coding change: c.7327G>T on transcript NM_017617.5 (MANE Select); coding-DNA position 7327, G replaced by T.
Protein change: p.Val2443Leu; replaces valine 2443 with leucine.
Molecular consequence: missense variant.
Genome position (GRCh38, 1-based): chr9:136,496,412, C>A on the plus strand (G>T on the coding strand, the complement: NOTCH1 is on the minus strand). VCF-style: chr9-136496412-C-A. GRCh37 (hg19) VCF-style: chr9-139390864-C-A.
Other names: short protein forms V2443L.
Identifiers: ClinVar variation 1060820 (VCV001060820.9), dbSNP rs768311067, ClinGen allele CA201632621.